The following is an entry in ClinVar:

ClinVar aggregate classification (germline): Uncertain significance (1 of 4 stars; one submission).

Submission:

Women's Health and Genetics/Laboratory Corporation of America, LabCorp
Classification: Uncertain significance. Last evaluated: 2024-08-07. Review status: criteria provided, single submitter. Criteria: LabCorp Variant Classification Summary - May 2015. Collection method: clinical testing. Allele origin: germline.
Comment: Variant summary: ZIC2 c.211C>T (p.Pro71Ser) results in a non-conservative amino acid change in the encoded protein sequence. Three of five in-silico tools predict a benign effect of the variant on protein function. The variant was absent in 104954 control chromosomes. The available data on variant occurrences in the general population are insufficient to allow any conclusion about variant significance. To our knowledge, no occurrence of c.211C>T in individuals affected with Holoprosencephaly 5 and no experimental evidence demonstrating its impact on protein function have been reported. No submitters have cited clinical-significance assessments for this variant to ClinVar. Based on the evidence outlined above, the variant was classified as uncertain significance.

NM_007129.5(ZIC2):c.211C>T (p.Pro71Ser)

Gene: ZIC2 (Zic family member 2; plus strand). Cytogenetic location: 13q32.3.
Variant type: single nucleotide variant.
Coding change: c.211C>T on transcript NM_007129.5 (MANE Select); coding-DNA position 211, C replaced by T.
Protein change: p.Pro71Ser; replaces proline 71 with serine.
Molecular consequence: missense variant.
Genome position (GRCh38, 1-based): chr13:99,982,275, C>T. VCF-style: chr13-99982275-C-T. GRCh37 (hg19) VCF-style: chr13-100634529-C-T.
Other names: short protein forms P71S.
Identifiers: ClinVar variation 3366438 (VCV003366438.1).